The following is an entry in ClinVar:

ClinVar aggregate classification (germline): Pathogenic. Review status: criteria provided, multiple submitters, no conflicts (2 of 4 stars). 3 submissions from 3 submitters: Pathogenic (2). 1 of the submissions does not count toward it. Last evaluated 2025-01-01.

Conditions:
Amelocerebrohypohidrotic syndrome (KTZS). Also called: EPILEPSY AND YELLOW TEETH; EPILEPSY, DEMENTIA, AND AMELOGENESIS IMPERFECTA; KOHLSCHUTTER SYNDROME; Kohlschutter's syndrome. Identifiers: Orphanet 1946, MedGen C0406740, MONDO:0009185, OMIM 226750.

Submissions (3):

Center of Human Genetics, Hôpital Erasme
Classification: Pathogenic for Amelocerebrohypohidrotic syndrome. Last evaluated: 2025-01-01. Review status: criteria provided, single submitter. Criteria: ACMG Guidelines, 2015. Collection method: clinical testing. Allele origin: inherited. Affected: yes.

Labcorp Genetics (formerly Invitae), Labcorp
Classification: Pathogenic for Amelocerebrohypohidrotic syndrome. Last evaluated: 2021-02-02. Review status: criteria provided, single submitter. Criteria: Invitae Variant Classification Sherloc (09022015). Collection method: clinical testing. Allele origin: germline.
Comment: For these reasons, this variant has been classified as Pathogenic. This variant has been observed in individual(s) with Kohlschutter syndrome (PMID: 22424600). ClinVar contains an entry for this variant (Variation ID: 31225). This variant is present in population databases (rs764899074, ExAC 0.01%). This sequence change creates a premature translational stop signal (p.Leu77Alafs*64) in the ROGDI gene. It is expected to result in an absent or disrupted protein product. Loss-of-function variants in ROGDI are known to be pathogenic (PMID: 22424600, 23086778).

OMIM
Classification: Pathogenic for KOHLSCHUTTER-TONZ SYNDROME. Last evaluated: 2012-04-06. Review status: no assertion criteria provided. Collection method: literature only. Allele origin: germline. Not counted in ClinVar's aggregate classification.

Literature cited by the submitters: PubMed 22424600 (cited by Labcorp Genetics (formerly Invitae), Labcorp and OMIM); PubMed 23086778 (cited by Labcorp Genetics (formerly Invitae), Labcorp); Schossig, A., Wolf, N., Koch, M. J., Bast, T., Hoffmann, G. F., Zschocke, J., Kohlschutter, A. Epileptische Enzephalopathie und Zahnschmelzdefekt (Kohlschutter-Tonz-Syndrom): Drei Fallberichte und Literaturubersicht. Med. Genetik 4: 422-426, 2007. (cited by OMIM).

NM_024589.3(ROGDI):c.229_230del (p.Leu77fs)

Gene: ROGDI (rogdi atypical leucine zipper; minus strand). Cytogenetic location: 16p13.3.
Variant type: Microsatellite.
Coding change: c.229_230del on transcript NM_024589.3 (MANE Select); coding-DNA positions 229 to 230, 2 bases deleted (CT; older notation c.229_230delCT).
Protein change: p.Leu77fs; shifts the reading frame from leucine 77.
Molecular consequence: frameshift variant.
Genome position (GRCh38, 1-based): chr16:4,801,292-4,801,293, AG deleted on the plus strand (CT on the coding strand, the reverse complement: ROGDI is on the minus strand); deleting any 2 consecutive bases within chr16:4,801,292-4,801,295 gives the same sequence; the c. name uses the placement nearest the transcript's 3' end. VCF-style (leftmost placement, unchanged base first): chr16-4801291-CAG-C. GRCh37 (hg19) VCF-style: chr16-4851292-CAG-C.
Other names: c.229_230del (NM_024589.2); c.229_230delCT (NM_024589.3); short protein forms L77fs.
Identifiers: ClinVar variation 31225 (VCV000031225.10), dbSNP rs764899074, ClinGen allele CA129772.